The following is an entry in ClinVar:

ClinVar aggregate classification (germline): Uncertain significance (1 of 4 stars; one submission).

Allele frequency attached by ClinVar (database versions not stated): gnomAD 0.00001; gnomAD exomes 0.00001; TOPMed 0.00001.
gnomAD v4.1: 9 of 1,614,022 alleles (0.00056%); highest among the groups gnomAD compares: Admixed American, 0.0017%; no homozygotes.

Submission:

GeneDx
Classification: Uncertain significance. Last evaluated: 2023-03-27. Review status: criteria provided, single submitter. Criteria: GeneDx Variant Classification Process June 2021. Collection method: clinical testing. Allele origin: germline. Affected: yes.
Comment: In silico analysis supports that this missense variant has a deleterious effect on protein structure/function; Has not been previously published as pathogenic or benign to our knowledge

NM_000103.4(CYP19A1):c.233A>G (p.Asn78Ser)

Genes: CYP19A1 (cytochrome P450 family 19 subfamily A member 1; minus strand), MIR4713HG (MIR4713 host gene; plus strand), PIRC66 (piwi-interacting RNA cluster 66; plus strand). Cytogenetic location: 15q21.2.
Variant type: single nucleotide variant.
Coding change: c.233A>G on transcript NM_000103.4 (MANE Select); coding-DNA position 233, A replaced by G.
Protein change: p.Asn78Ser; replaces asparagine 78 with serine.
Molecular consequence: missense variant.
Genome position (GRCh38, 1-based): chr15:51,236,922, T>C on the plus strand (A>G on the coding strand, the complement: CYP19A1 is on the minus strand). VCF-style: chr15-51236922-T-C. GRCh37 (hg19) VCF-style: chr15-51529119-T-C.
Other names: c.233A>G, p.Asn78Ser (NM_001347248.1, NM_001347249.2, NM_001347250.2 and 7 more transcripts); short protein forms N78S.
Identifiers: ClinVar variation 2581893 (VCV002581893.1), dbSNP rs1422135097, ClinGen allele CA392422335.
Genomic context (GRCh38, chr15:51,236,922, plus strand): 5'-CTGATAATGAGTGTTTCCTCTCCAGAGATCCAGACTCGCATGAATTCTCCATATACCCGG[T>C]TGTAGTAGTTGCAGGCACTGCCGATCCCCATCCACAGGAATCTGCCGTGGGAGATGAGGG-3'
Protein context (NP_000094.2, residues 68-88): MGIGSACNYY[Asn78Ser]RVYGEFMRVW